The following is an entry in ClinVar:

ClinVar aggregate classification (germline): Pathogenic (1 of 4 stars; one submission).

Conditions:
Developmental and epileptic encephalopathy, 2 (DEE2). Also called: INFANTILE SPASM SYNDROME, X-LINKED 2; CDKL5 deficiency disorder. Identifiers: Orphanet 1934, Orphanet 3451, Orphanet 505652, MedGen C4750718, MONDO:0010396, OMIM 300672.

Submission:

MVZ Praenatalmedizin und Genetik Nuernberg
Classification: Pathogenic for Developmental and epileptic encephalopathy, 2. Last evaluated: 2024-08-13. Review status: criteria provided, single submitter. Criteria: ACMG Guidelines, 2015. Collection method: clinical testing. Allele origin: de novo. Affected: yes.
Comment: The variant leads to a shift in the reading frame and consequently probably to premature degradation of the mRNA (nonsense-mediated decay, NMD) or to premature truncation of the protein (p.(Phe154Leufs*74); loss of approximately or premature truncation of the protein (p.(Phe154Leufs*74); loss of approximately 84% of the protein. The variant has not yet been stored in the population-based database gnomAD (v.2, v.4) nor described in ClinVar or the literature. Downstream many other truncating CDKL5 variants are annotated as pathogenic, so loss-of-function is the typical pathomechanism. In summary, based on the current data and in accordance with the CDKL5-specific ACMG guidelines, we assess this to be a pathogenic change (ClinGen Rett and Angelman-like Disorders VCEP; Version 3.0.0).

NM_001323289.2(CDKL5):c.462del (p.Phe154fs)

Gene: CDKL5 (cyclin dependent kinase like 5; plus strand). Cytogenetic location: Xp22.13.
Variant type: Deletion.
Coding change: c.462del on transcript NM_001323289.2 (MANE Select); coding-DNA position 462, one base deleted (T; older notation c.462delT).
Protein change: p.Phe154fs; shifts the reading frame from phenylalanine 154.
Molecular consequence: frameshift variant.
Genome position (GRCh38, 1-based): chrX:18,581,949, T deleted; the last of 3 consecutive T bases (chrX:18,581,947-18,581,949); deleting any one gives the same sequence. VCF-style (leftmost placement, unchanged base first): chrX-18581946-CT-C. GRCh37 (hg19) VCF-style: chrX-18600066-CT-C.
Other names: c.462del, p.Phe154fs (NM_001037343.2, NM_003159.3); short protein forms F154fs.
Identifiers: ClinVar variation 4813474 (VCV004813474.1).